The following is an entry in ClinVar:

NM_001099271.2(POC5):c.541T>C (p.Trp181Arg)

Gene: POC5 (POC5 centriolar protein; minus strand). Cytogenetic location: 5q13.3.
Variant type: single nucleotide variant.
Coding change: c.541T>C on transcript NM_001099271.2 (MANE Select); coding-DNA position 541, T replaced by C.
Protein change: p.Trp181Arg; replaces tryptophan 181 with arginine.
Molecular consequence: missense variant.
Genome position (GRCh38, 1-based): chr5:75,694,804, A>G on the plus strand (T>C on the coding strand, the complement: POC5 is on the minus strand). VCF-style: chr5-75694804-A-G. GRCh37 (hg19) VCF-style: chr5-74990629-A-G.
Other names: c.466T>C, p.Trp156Arg (NM_152408.3); short protein forms W156R, W181R.
Identifiers: ClinVar variation 3701618 (VCV003701618.2).

ClinVar aggregate classification (germline): Uncertain significance (1 of 4 stars; one submission).

Submission:

Labcorp Genetics (formerly Invitae), Labcorp
Classification: Uncertain significance. Last evaluated: 2024-09-30. Review status: criteria provided, single submitter. Criteria: Invitae Variant Classification Sherloc (09022015). Collection method: clinical testing. Allele origin: germline.
Comment: This sequence change replaces tryptophan, which is neutral and slightly polar, with arginine, which is basic and polar, at codon 181 of the POC5 protein (p.Trp181Arg). This variant is not present in population databases (gnomAD no frequency). This variant has not been reported in the literature in individuals affected with POC5-related conditions. An algorithm developed to predict the effect of missense changes on protein structure and function (PolyPhen-2) suggests that this variant is likely to be tolerated. In summary, the available evidence is currently insufficient to determine the role of this variant in disease. Therefore, it has been classified as a Variant of Uncertain Significance.